The following is an entry in ClinVar:

ClinVar aggregate classification (germline): Uncertain significance (1 of 4 stars; one submission).

Allele frequency attached by ClinVar (database versions not stated): gnomAD 0.00003; TOPMed 0.00003; ESP Exome Variant Server 0.00008.
gnomAD v4.1: 33 of 1,613,404 alleles (0.002%); highest among the groups gnomAD compares: Middle Eastern, 0.049%; no homozygotes.

Submission:

Labcorp Genetics (formerly Invitae), Labcorp
Classification: Uncertain significance. Last evaluated: 2022-08-13. Review status: criteria provided, single submitter. Criteria: Invitae Variant Classification Sherloc (09022015). Collection method: clinical testing. Allele origin: germline.
Comment: In summary, the available evidence is currently insufficient to determine the role of this variant in disease. Therefore, it has been classified as a Variant of Uncertain Significance. Algorithms developed to predict the effect of missense changes on protein structure and function are either unavailable or do not agree on the potential impact of this missense change (SIFT: "Deleterious"; PolyPhen-2: "Possibly Damaging"; Align-GVGD: "Class C0"). This variant has not been reported in the literature in individuals affected with ADAMTS10-related conditions. This variant is present in population databases (rs371686886, gnomAD 0.007%). This sequence change replaces arginine, which is basic and polar, with glutamine, which is neutral and polar, at codon 109 of the ADAMTS10 protein (p.Arg109Gln).

NM_030957.4(ADAMTS10):c.326G>A (p.Arg109Gln)

Gene: ADAMTS10 (ADAM metallopeptidase with thrombospondin type 1 motif 10; minus strand). Cytogenetic location: 19p13.2.
Variant type: single nucleotide variant.
Coding change: c.326G>A on transcript NM_030957.4 (MANE Select); coding-DNA position 326, G replaced by A.
Protein change: p.Arg109Gln; replaces arginine 109 with glutamine.
Molecular consequence: missense variant.
Genome position (GRCh38, 1-based): chr19:8,605,121, C>T on the plus strand (G>A on the coding strand, the complement: ADAMTS10 is on the minus strand). VCF-style: chr19-8605121-C-T. GRCh37 (hg19) VCF-style: chr19-8670006-C-T.
Other names: short protein forms R109Q.
Identifiers: ClinVar variation 1900912 (VCV001900912.3), dbSNP rs371686886, ClinGen allele CA9160877.